The following is an entry in ClinVar:

NM_001321967.2(ATAD1):c.657C>G (p.Leu219=)

Gene: ATAD1 (ATPase family AAA domain containing 1; minus strand). Cytogenetic location: 10q23.31.
Variant type: single nucleotide variant.
Coding change: c.657C>G on transcript NM_001321967.2 (MANE Select); coding-DNA position 657, C replaced by G.
Protein change: p.Leu219=; no amino-acid change (leucine 219 retained).
Molecular consequence: synonymous variant. On other transcripts: non-coding transcript variant (1).
Genome position (GRCh38, 1-based): chr10:87,776,354, G>C on the plus strand (C>G on the coding strand, the complement: ATAD1 is on the minus strand). VCF-style: chr10-87776354-G-C. GRCh37 (hg19) VCF-style: chr10-89536111-G-C.
Other names: c.657C>G, p.Leu219= (NM_001321968.2, NM_032810.4); c.300C>G, p.Leu100= (NM_001321969.2).
Identifiers: ClinVar variation 1601366 (VCV001601366.12), dbSNP rs116195084, ClinGen allele CA5590039.

ClinVar aggregate classification (germline): Benign/Likely benign. Review status: criteria provided, multiple submitters, no conflicts (2 of 4 stars). 4 submissions from 4 submitters: Benign (2); Likely benign (1). 1 of the submissions does not count toward it. Last evaluated 2026-01-24.

Conditions:
ATAD1-related disorder. Also called: ATAD1-related condition.
Hyperekplexia 4. Identifiers: MedGen C4693933, MONDO:0044330, OMIM 618011.

Allele frequency attached by ClinVar (database versions not stated): gnomAD exomes 0.00030 and 0.00082; ExAC 0.00113; gnomAD 0.00322 and 0.00347; TOPMed 0.00363; 1000 Genomes Project 0.00399; 1000 Genomes Project 30x 0.00406; ESP Exome Variant Server 0.00423.
gnomAD v4.1: 938 of 1,613,786 alleles (0.058%); highest among the groups gnomAD compares: African/African-American, 1.2%; 4 homozygotes.

Submissions (4):

Labcorp Genetics (formerly Invitae), Labcorp
Classification: Benign. Last evaluated: 2026-01-24. Review status: criteria provided, single submitter. Criteria: Invitae Variant Classification Sherloc (09022015). Collection method: clinical testing. Allele origin: germline.

Fulgent Genetics
Classification: Likely benign for Hyperekplexia 4. Last evaluated: 2021-08-13. Review status: criteria provided, single submitter. Criteria: ACMG Guidelines, 2015. Collection method: clinical testing. Allele origin: unknown.

Breakthrough Genomics
Classification: Benign. Review status: criteria provided, single submitter. Criteria: ACMG Guidelines, 2015. Collection method: not provided. Allele origin: germline. Inheritance: Autosomal recessive inheritance. Affected: yes.

PreventionGenetics, part of Exact Sciences
Classification: Benign for ATAD1-related condition. Last evaluated: 2019-09-23. Review status: no assertion criteria provided. Collection method: clinical testing. Allele origin: germline. Not counted in ClinVar's aggregate classification.
Comment: This variant is classified as benign based on ACMG/AMP sequence variant interpretation guidelines (Richards et al. 2015 PMID: 25741868, with internal and published modifications).